The following is an entry in ClinVar:

NM_001080779.2(MYO1C):c.2395G>A (p.Ala799Thr)

Gene: MYO1C (myosin IC; minus strand). Cytogenetic location: 17p13.3.
Variant type: single nucleotide variant.
Coding change: c.2395G>A on transcript NM_001080779.2 (MANE Select); coding-DNA position 2395, G replaced by A.
Protein change: p.Ala799Thr; replaces alanine 799 with threonine.
Molecular consequence: missense variant.
Genome position (GRCh38, 1-based): chr17:1,470,306, C>T on the plus strand (G>A on the coding strand, the complement: MYO1C is on the minus strand). VCF-style: chr17-1470306-C-T. GRCh37 (hg19) VCF-style: chr17-1373600-C-T.
Other names: c.2338G>A, p.Ala780Thr (NM_001080950.2); c.2323G>A, p.Ala775Thr (NM_001363855.1); c.2290G>A, p.Ala764Thr (NM_033375.5); short protein forms A764T, A775T, A780T, A799T.
Identifiers: ClinVar variation 1293745 (VCV001293745.3), dbSNP rs56091302, ClinGen allele CA8267006.

ClinVar aggregate classification (germline): Benign. Review status: criteria provided, multiple submitters, no conflicts (2 of 4 stars). 2 submissions from 2 submitters: Benign (2). Last evaluated 2018-07-09.

Allele frequency attached by ClinVar (database versions not stated): gnomAD exomes 0.00101 and 0.00253; ExAC 0.00445; ESP Exome Variant Server 0.00964; TOPMed 0.01133; gnomAD 0.01248 and 0.01297; 1000 Genomes Project 0.01478; 1000 Genomes Project 30x 0.01640.

Submissions (2):

GeneDx
Classification: Benign. Last evaluated: 2018-07-09. Review status: criteria provided, single submitter. Criteria: GeneDx Variant Classification Process June 2021. Collection method: clinical testing. Allele origin: germline. Affected: yes.
Comment: This variant is associated with the following publications: (PMID: 28332277)

Breakthrough Genomics
Classification: Benign. Review status: criteria provided, single submitter. Criteria: ACMG Guidelines, 2015. Collection method: not provided. Allele origin: germline. Inheritance: Unknown mechanism. Affected: yes.